The following is an entry in ClinVar:

NM_032043.3(BRIP1):c.1799T>A (p.Phe600Tyr)

Gene: BRIP1 (BRCA1 interacting DNA helicase 1; minus strand). Cytogenetic location: 17q23.2.
Variant type: single nucleotide variant.
Coding change: c.1799T>A on transcript NM_032043.3 (MANE Select); coding-DNA position 1799, T replaced by A.
Protein change: p.Phe600Tyr; replaces phenylalanine 600 with tyrosine.
Molecular consequence: missense variant.
Genome position (GRCh38, 1-based): chr17:61,780,397, A>T on the plus strand (T>A on the coding strand, the complement: BRIP1 is on the minus strand). VCF-style: chr17-61780397-A-T. GRCh37 (hg19) VCF-style: chr17-59857758-A-T.
Other names: short protein forms F600Y.
Identifiers: ClinVar variation 2949684 (VCV002949684.3), dbSNP rs2545021235, ClinGen allele CA400480226.

ClinVar aggregate classification (germline): Uncertain significance (1 of 4 stars; one submission).

Conditions:
Fanconi anemia complementation group J. Also called: BRIP1-Related Fanconi Anemia. Identifiers: Orphanet 84, MedGen C1836860, MONDO:0012187, OMIM 609054.
Familial cancer of breast. Also called: BREAST CANCER, FAMILIAL; Hereditary breast cancer; hereditary breast carcinoma. Identifiers: Orphanet 227535, MedGen C0346153, MONDO:0016419, OMIM 114480. Disease mechanism: loss of function.

Submission:

Labcorp Genetics (formerly Invitae), Labcorp
Classification: Uncertain significance for Familial cancer of breast; Fanconi anemia complementation group J. Last evaluated: 2023-07-08. Review status: criteria provided, single submitter. Criteria: Invitae Variant Classification Sherloc (09022015). Collection method: clinical testing. Allele origin: germline.
Comment: In summary, the available evidence is currently insufficient to determine the role of this variant in disease. Therefore, it has been classified as a Variant of Uncertain Significance. Advanced modeling of protein sequence and biophysical properties (such as structural, functional, and spatial information, amino acid conservation, physicochemical variation, residue mobility, and thermodynamic stability) performed at Invitae indicates that this missense variant is expected to disrupt BRIP1 protein function. This variant has not been reported in the literature in individuals affected with BRIP1-related conditions. This variant is not present in population databases (gnomAD no frequency). This sequence change replaces phenylalanine, which is neutral and non-polar, with tyrosine, which is neutral and polar, at codon 600 of the BRIP1 protein (p.Phe600Tyr).